The following is an entry in ClinVar:

ClinVar aggregate classification (germline): Uncertain significance (1 of 4 stars; one submission).

Conditions:
Metaphyseal chondrodysplasia, Schmid type (MCDS). Also called: SPONDYLOMETAPHYSEAL DYSPLASIA, JAPANESE TYPE. Identifiers: Orphanet 174, MedGen C0265289, MONDO:0007983, OMIM 156500.

Submission:

Centre for Mendelian Genomics, University Medical Centre Ljubljana
Classification: Uncertain significance for Metaphyseal chondrodysplasia, Schmid type. Last evaluated: 2019-08-12. Review status: criteria provided, single submitter. Criteria: ACMG Guidelines, 2015. Collection method: clinical testing. Allele origin: unknown. Affected: yes.
Comment: This variant was classified as: Uncertain significance. The available evidence on this variant's pathogenicity is insufficient or conflicting. The following ACMG criteria were applied in classifying this variant: PM2.

NM_000493.4(COL10A1):c.1705A>G (p.Ile569Val)

Genes: COL10A1 (collagen type X alpha 1 chain; minus strand), NT5DC1 (5'-nucleotidase domain containing 1; plus strand). Cytogenetic location: 6q22.1.
Variant type: single nucleotide variant.
Coding change: c.1705A>G on transcript NM_000493.4 (MANE Select); coding-DNA position 1705, A replaced by G.
Protein change: p.Ile569Val; replaces isoleucine 569 with valine.
Molecular consequence: missense variant. On other transcripts: intron variant (1).
Genome position (GRCh38, 1-based): chr6:116,120,411, T>C on the plus strand (A>G on the coding strand, the complement: COL10A1 is on the minus strand). VCF-style: chr6-116120411-T-C. GRCh37 (hg19) VCF-style: chr6-116441574-T-C.
Other names: c.1705A>G, p.Ile569Val (NM_001424106.1, NM_001424107.1); c.529+2466T>C (NM_152729.3); short protein forms I569V.
Identifiers: ClinVar variation 931658 (VCV000931658.3), dbSNP rs1779078261, ClinGen allele CA365387156.